The following is an entry in ClinVar:

ClinVar aggregate classification (germline): Uncertain significance (1 of 4 stars; one submission).

Conditions:
Cardiovascular phenotype. Identifiers: MedGen CN230736.

Allele frequency attached by ClinVar (database versions not stated): TOPMed below 0.00001; gnomAD 0.00001.
gnomAD v4.1: 1 of 1,550,266 alleles (0.000065%); highest among the groups gnomAD compares: African/African-American, 0.0014%; no homozygotes.

Submission:

Ambry Genetics
Classification: Uncertain significance for Cardiovascular phenotype. Last evaluated: 2023-04-05. Review status: criteria provided, single submitter. Criteria: Ambry Variant Classification Scheme 2023. Collection method: clinical testing. Allele origin: germline.
Comment: The p.R2504S variant (also known as c.7512G>C), located in coding exon 2 of the ZNF469 gene, results from a G to C substitution at nucleotide position 7512. The arginine at codon 2504 is replaced by serine, an amino acid with dissimilar properties. This amino acid position is conserved. In addition, this alteration is predicted to be tolerated by in silico analysis. Since supporting evidence is limited at this time, the clinical significance of this alteration remains unclear.

NM_001367624.2(ZNF469):c.7596G>C (p.Arg2532Ser)

Gene: ZNF469 (zinc finger protein 469; plus strand). Cytogenetic location: 16q24.2.
Variant type: single nucleotide variant.
Coding change: c.7596G>C on transcript NM_001367624.2 (MANE Select); coding-DNA position 7596, G replaced by C.
Protein change: p.Arg2532Ser; replaces arginine 2532 with serine.
Molecular consequence: missense variant.
Genome position (GRCh38, 1-based): chr16:88,435,066, G>C. VCF-style: chr16-88435066-G-C. GRCh37 (hg19) VCF-style: chr16-88501474-G-C.
Other names: NM_001127464.1:c.7512G>C; short protein forms R2532S.
Identifiers: ClinVar variation 2561847 (VCV002561847.2), dbSNP rs1597212264, ClinGen allele CA397113296.